The following is an entry in ClinVar:

ClinVar aggregate classification (germline): Uncertain significance (1 of 4 stars; one submission).

Conditions:
ALMS1-related disorder. Also called: ALMS1-related condition.

Submission:

PreventionGenetics, part of Exact Sciences
Classification: Uncertain significance for ALMS1-related condition. Last evaluated: 2023-12-14. Review status: criteria provided, single submitter. Criteria: ACMG Guidelines, 2015. Collection method: clinical testing. Allele origin: germline.
Comment: The ALMS1 c.1451G>A variant is predicted to result in the amino acid substitution p.Gly484Asp. To our knowledge, this variant has not been reported in the literature. This variant is reported in 0.12% of alleles in individuals of African descent in gnomAD. Although we suspect this variant may be benign, at this time, the clinical significance of this variant is uncertain due to the absence of conclusive functional and genetic evidence.

NM_001378454.1(ALMS1):c.1448G>A (p.Gly483Glu)

Gene: ALMS1 (ALMS1 centrosome and basal body associated protein; plus strand). Cytogenetic location: 2p13.1.
Variant type: single nucleotide variant.
Coding change: c.1448G>A on transcript NM_001378454.1 (MANE Select); coding-DNA position 1448, G replaced by A.
Protein change: p.Gly483Glu; replaces glycine 483 with glutamic acid.
Molecular consequence: missense variant.
Genome position (GRCh38, 1-based): chr2:73,447,975, G>A. VCF-style: chr2-73447975-G-A. GRCh37 (hg19) VCF-style: chr2-73675105-G-A.
Other names: c.1451G>A, p.Gly484Glu (NM_015120.4); short protein forms G483E, G484E.
Identifiers: ClinVar variation 3059734 (VCV003059734.1), dbSNP rs1462413512, ClinGen allele CA347264421.